The following is an entry in ClinVar:

NM_003906.5(MCM3AP):c.919G>C (p.Glu307Gln)

Gene: MCM3AP (minichromosome maintenance complex component 3 associated protein; minus strand). Cytogenetic location: 21q22.3.
Variant type: single nucleotide variant.
Coding change: c.919G>C on transcript NM_003906.5 (MANE Select); coding-DNA position 919, G replaced by C.
Protein change: p.Glu307Gln; replaces glutamic acid 307 with glutamine.
Molecular consequence: missense variant.
Genome position (GRCh38, 1-based): chr21:46,284,368, C>G on the plus strand (G>C on the coding strand, the complement: MCM3AP is on the minus strand). VCF-style: chr21-46284368-C-G. GRCh37 (hg19) VCF-style: chr21-47704282-C-G.
Other names: short protein forms E307Q.
Identifiers: ClinVar variation 2089235 (VCV002089235.4), dbSNP rs1202782002, ClinGen allele CA410534065.
Genomic context (GRCh38, chr21:46,284,368, plus strand): 5'-CAGGTCGTTTGTCTGGAGGATGATCGCCCCGGGACAGAGGATCCGAATCTTCTGCTGGCT[C>G]GTGGCCATGTCTCCTTGGGGAGCGATCCTGGTCCTCCTTCCTTTTCAGTCCTTTCATTAG-3'
Protein context (NP_003897.2, residues 297-317): QDRSPRRHGH[Glu307Gln]PAEDSDPLSR

ClinVar aggregate classification (germline): Uncertain significance (1 of 4 stars; one submission).

gnomAD v4.1: 1 of 1,614,182 alleles (0.000062%); highest among the groups gnomAD compares: Non-Finnish European, 0.000085%; no homozygotes.

Submission:

Labcorp Genetics (formerly Invitae), Labcorp
Classification: Uncertain significance. Last evaluated: 2022-01-23. Review status: criteria provided, single submitter. Criteria: Invitae Variant Classification Sherloc (09022015). Collection method: clinical testing. Allele origin: germline.
Comment: In summary, the available evidence is currently insufficient to determine the role of this variant in disease. Therefore, it has been classified as a Variant of Uncertain Significance. Algorithms developed to predict the effect of missense changes on protein structure and function (SIFT, PolyPhen-2, Align-GVGD) all suggest that this variant is likely to be tolerated. This variant has not been reported in the literature in individuals affected with MCM3AP-related conditions. This variant is not present in population databases (gnomAD no frequency). This sequence change replaces glutamic acid, which is acidic and polar, with glutamine, which is neutral and polar, at codon 307 of the MCM3AP protein (p.Glu307Gln).